The following is an entry in ClinVar:

ClinVar aggregate classification (germline): Uncertain significance (1 of 4 stars; one submission).

Allele frequency attached by ClinVar (database versions not stated): TOPMed below 0.00001.

Submission:

GeneDx
Classification: Uncertain significance. Last evaluated: 2022-02-10. Review status: criteria provided, single submitter. Criteria: GeneDx Variant Classification Process June 2021. Collection method: clinical testing. Allele origin: germline. Affected: yes.
Comment: Not observed at significant frequency in large population cohorts (gnomAD); In silico analysis supports that this missense variant has a deleterious effect on protein structure/function; Has not been previously published as pathogenic or benign to our knowledge

NM_006767.4(LZTR1):c.1263C>A (p.Phe421Leu)

Gene: LZTR1 (leucine zipper like post translational regulator 1; plus strand). Cytogenetic location: 22q11.21.
Variant type: single nucleotide variant.
Coding change: c.1263C>A on transcript NM_006767.4 (MANE Select); coding-DNA position 1263, C replaced by A.
Protein change: p.Phe421Leu; replaces phenylalanine 421 with leucine.
Molecular consequence: missense variant.
Genome position (GRCh38, 1-based): chr22:20,993,664, C>A. VCF-style: chr22-20993664-C-A. GRCh37 (hg19) VCF-style: chr22-21347953-C-A.
Other names: short protein forms F421L.
Identifiers: ClinVar variation 1700854 (VCV001700854.2), dbSNP rs1386086257, ClinGen allele CA410774247.
Genomic context (GRCh38, chr22:20,993,664, plus strand): 5'-CCACACTGGGGCCACCCTGCTGTCTGCAACATCTAGTCTCACTGGGCCCCTCTTGCAGTT[C>A]TCCTGTTACCCTAAATGCACGCTGCACGAGGACTACGGGCGGCTGTGGGAGAGCCGCCAG-3'
Protein context (NP_006758.2, residues 411-431): IRSGEMYRFQ[Phe421Leu]SCYPKCTLHE